The following is an entry in ClinVar:

ClinVar aggregate classification (germline): Conflicting classifications of pathogenicity. Review status: criteria provided, conflicting classifications (1 of 4 stars). 3 submissions from 3 submitters: Uncertain significance (1); Likely benign (2). Last evaluated 2025-02-04.

Conditions:
Cerebral arteriopathy, autosomal dominant, with subcortical infarcts and leukoencephalopathy, type 1 (CADASIL1). Also called: CADASIL 1; Cerebral arteriopathy with subcortical infarcts and leukoencephalopathy 1; CASIL; DEMENTIA, HEREDITARY MULTIINFARCT TYPE. Identifiers: Orphanet 136, MedGen C4551768, MONDO:0000914, OMIM 125310.

Allele frequency attached by ClinVar (database versions not stated): gnomAD 0.00001 and 0.00002; gnomAD exomes 0.00002 and 0.00006; TOPMed 0.00003; ExAC 0.00007.
gnomAD v4.1: 32 of 1,609,968 alleles (0.002%); highest among the groups gnomAD compares: East Asian, 0.027%; no homozygotes.

Submissions (3):

Athena Diagnostics
Classification: Uncertain significance. Last evaluated: 2025-02-04. Review status: criteria provided, single submitter. Criteria: Athena Diagnostics Criteria. Collection method: clinical testing. Allele origin: unknown.
Comment: Available data are insufficient to determine the clinical significance of the variant at this time. The frequency of this variant in the general population is higher than would generally be expected for pathogenic variants in this gene. Polyphen and MutationTaster predict this amino acid change may be benign.

CeGaT Center for Human Genetics Tuebingen
Classification: Likely benign. Last evaluated: 2023-08-01. Review status: criteria provided, single submitter. Criteria: CeGaT Center For Human Genetics Tuebingen Variant Classification Criteria Version 2. Collection method: clinical testing. Allele origin: germline. Affected: yes. Observed: 1 variant allele.
Comment: NOTCH3: BP4

Illumina Laboratory Services, Illumina
Classification: Likely benign for Cerebral arteriopathy, autosomal dominant, with subcortical infarcts and leukoencephalopathy, type 1. Last evaluated: 2018-01-12. Review status: criteria provided, single submitter. Criteria: ICSL Variant Classification Criteria 13 December 2019. Collection method: clinical testing. Allele origin: germline.
Comment: This variant was observed in the ICSL laboratory as part of a predisposition screen in an ostensibly healthy population. It had not been previously curated by ICSL or reported in the Human Gene Mutation Database (HGMD: prior to June 1st, 2018), and was therefore a candidate for classification through an automated scoring system. Utilizing variant allele frequency, disease prevalence and penetrance estimates, and inheritance mode, an automated score was calculated to assess if this variant is too frequent to cause the disease. Based on the score and internal cut-off values, a variant classified as likely benign is not then subjected to further curation. The score for this variant resulted in a classification of likely benign for this disease.

NM_000435.3(NOTCH3):c.5779G>A (p.Ala1927Thr)

Gene: NOTCH3 (notch receptor 3; minus strand). Cytogenetic location: 19p13.12.
Variant type: single nucleotide variant.
Coding change: c.5779G>A on transcript NM_000435.3 (MANE Select); coding-DNA position 5779, G replaced by A.
Protein change: p.Ala1927Thr; replaces alanine 1927 with threonine.
Molecular consequence: missense variant.
Genome position (GRCh38, 1-based): chr19:15,165,404, C>T on the plus strand (G>A on the coding strand, the complement: NOTCH3 is on the minus strand). VCF-style: chr19-15165404-C-T. GRCh37 (hg19) VCF-style: chr19-15276215-C-T.
Other names: short protein forms A1927T.
Identifiers: ClinVar variation 328377 (VCV000328377.30), dbSNP rs748889237, ClinGen allele CA9262543.
Genomic context (GRCh38, chr19:15,165,404, plus strand): 5'-GACTTGATTCCTCTGCCAACCTACCAAGCTCATCCACAGCATTGACATCAGCATGGCTGG[C>T]GATGAGCTCTTCCACCATGCCCTCTACTGCCAGGCGGGCCGCCAGGATCAGTGCCGTTGA-3'
Protein context (NP_000426.2, residues 1917-1937): AVEGMVEELI[Ala1927Thr]SHADVNAVDE